The following is an entry in ClinVar:

NM_000136.3(FANCC):c.1196A>T (p.His399Leu)

Genes: AOPEP (aminopeptidase O (putative); plus strand), FANCC (FA complementation group C; minus strand). Cytogenetic location: 9q22.32.
Variant type: single nucleotide variant.
Coding change: c.1196A>T on transcript NM_000136.3 (MANE Select); coding-DNA position 1196, A replaced by T.
Protein change: p.His399Leu; replaces histidine 399 with leucine.
Molecular consequence: missense variant.
Genome position (GRCh38, 1-based): chr9:95,111,596, T>A on the plus strand (A>T on the coding strand, the complement: FANCC is on the minus strand). VCF-style: chr9-95111596-T-A. GRCh37 (hg19) VCF-style: chr9-97873878-T-A.
Other names: c.1196A>T, p.His399Leu (NM_001243743.2, NM_001243744.2); short protein forms H399L.
Identifiers: ClinVar variation 5036472 (VCV005036472.1).
Genomic context (GRCh38, chr9:95,111,596, plus strand): 5'-GGGGGTTCGGCTGCCGACATCAGTAATTGCTCTGCCACCATCTCAGCCCATCCTCCGAAG[T>A]GAATGAACAGGAACCAGCTCTCAAAGGGACCTCCGCAGGACCTGGAACAGAGGCAGAACA-3'
Protein context (NP_000127.2, residues 389-409): GPFESWFLFI[His399Leu]FGGWAEMVAE

ClinVar aggregate classification (germline): Uncertain significance (1 of 4 stars; one submission).

Conditions:
Hereditary cancer-predisposing syndrome. Also called: Neoplastic Syndromes, Hereditary; Tumor predisposition; Hereditary neoplastic syndrome; Hereditary Cancer Syndrome. Identifiers: Orphanet 140162, MedGen C0027672, MeSH D009386, MONDO:0015356.

Submission:

Ambry Genetics
Classification: Uncertain significance for Hereditary cancer-predisposing syndrome. Last evaluated: 2026-07-22. Review status: criteria provided, single submitter. Criteria: Ambry Variant Classification Scheme 2023. Collection method: clinical testing. Allele origin: germline.
Comment: The p.H399L variant (also known as c.1196A>T), located in coding exon 12 of the FANCC gene, results from an A to T substitution at nucleotide position 1196. The histidine at codon 399 is replaced by leucine, an amino acid with similar properties. This amino acid position is conserved. In addition, this alteration is predicted to be tolerated by in silico analysis. Based on the available evidence, the clinical significance of this variant remains unclear.